The following is an entry in ClinVar:

NM_014847.4(UBAP2L):c.1765G>A (p.Gly589Ser)

Gene: UBAP2L (ubiquitin associated protein 2 like; plus strand). Cytogenetic location: 1q21.3.
Variant type: single nucleotide variant.
Coding change: c.1765G>A on transcript NM_014847.4 (MANE Select); coding-DNA position 1765, G replaced by A.
Protein change: p.Gly589Ser; replaces glycine 589 with serine.
Molecular consequence: missense variant.
Genome position (GRCh38, 1-based): chr1:154,254,000, G>A. VCF-style: chr1-154254000-G-A. GRCh37 (hg19) VCF-style: chr1-154226476-G-A.
Other names: c.1765G>A, p.Gly589Ser (NM_001127320.3, NM_001375614.1, NM_001375615.1 and 14 more transcripts); c.1744G>A, p.Gly582Ser (NM_001287815.1); c.1798G>A, p.Gly600Ser (NM_001287816.1, NM_001330730.1, NM_001375612.1 and 2 more transcripts); short protein forms G582S, G589S, G600S.
Identifiers: ClinVar variation 3381334 (VCV003381334.1).

ClinVar aggregate classification (germline): Uncertain significance (1 of 4 stars; one submission).

gnomAD v4.1: 2 of 1,597,636 alleles (0.00013%); highest among the groups gnomAD compares: African/African-American, 0.0014%; no homozygotes.

Submission:

GeneDx
Classification: Uncertain significance. Last evaluated: 2024-05-24. Review status: criteria provided, single submitter. Criteria: GeneDx Variant Classification Process June 2021. Collection method: clinical testing. Allele origin: germline. Affected: yes.
Comment: Not observed at significant frequency in large population cohorts (gnomAD); In silico analysis indicates that this missense variant does not alter protein structure/function; Has not been previously published as pathogenic or benign to our knowledge